The following is an entry in ClinVar:

NM_080680.3(COL11A2):c.196G>C (p.Ala66Pro)

Gene: COL11A2 (collagen type XI alpha 2 chain; minus strand). Cytogenetic location: 6p21.32.
Variant type: single nucleotide variant.
Coding change: c.196G>C on transcript NM_080680.3 (MANE Select); coding-DNA position 196, G replaced by C.
Protein change: p.Ala66Pro; replaces alanine 66 with proline.
Molecular consequence: missense variant. On other transcripts: 5 prime UTR variant (3), non-coding transcript variant (1).
Genome position (GRCh38, 1-based): chr6:33,189,356, C>G on the plus strand (G>C on the coding strand, the complement: COL11A2 is on the minus strand). VCF-style: chr6-33189356-C-G. GRCh37 (hg19) VCF-style: chr6-33157133-C-G.
Other names: c.196G>C, p.Ala66Pro (NM_001163771.2, NM_001424108.1, NM_080679.3 and 1 more transcripts); c.-651G>C (NM_001424109.1, NM_001424110.1, NM_001424111.1); short protein forms A66P.
Identifiers: ClinVar variation 4231724 (VCV004231724.2).

ClinVar aggregate classification (germline): Uncertain significance. Review status: criteria provided, multiple submitters, no conflicts (2 of 4 stars). 2 submissions from 2 submitters: Uncertain significance (2). Last evaluated 2025-11-22.

Conditions:
Inborn genetic diseases. Identifiers: MedGen C0950123, MeSH D030342.

gnomAD v4.1: 2 of 1,613,482 alleles (0.00012%); highest among the groups gnomAD compares: Non-Finnish European, 0.00017%; no homozygotes.

Submissions (2):

Labcorp Genetics (formerly Invitae), Labcorp
Classification: Uncertain significance. Last evaluated: 2025-11-22. Review status: criteria provided, single submitter. Criteria: Invitae Variant Classification Sherloc (09022015). Collection method: clinical testing. Allele origin: germline.
Comment: This sequence change replaces alanine, which is neutral and non-polar, with proline, which is neutral and non-polar, at codon 66 of the COL11A2 protein (p.Ala66Pro). This variant is not present in population databases (gnomAD no frequency). This variant has not been reported in the literature in individuals affected with COL11A2-related conditions. ClinVar contains an entry for this variant (Variation ID: 4231724). Invitae Evidence Modeling of protein sequence and biophysical properties (such as structural, functional, and spatial information, amino acid conservation, physicochemical variation, residue mobility, and thermodynamic stability) indicates that this missense variant is not expected to disrupt COL11A2 protein function with a negative predictive value of 95%. In summary, the available evidence is currently insufficient to determine the role of this variant in disease. Therefore, it has been classified as a Variant of Uncertain Significance.

Ambry Genetics
Classification: Uncertain significance for Inborn genetic diseases. Last evaluated: 2025-08-04. Review status: criteria provided, single submitter. Criteria: Ambry Variant Classification Scheme 2023. Collection method: clinical testing. Allele origin: germline.